The following is an entry in ClinVar:

ClinVar aggregate classification (germline): Conflicting classifications of pathogenicity. Review status: criteria provided, conflicting classifications (1 of 4 stars). 3 submissions from 3 submitters: Uncertain significance (1); Benign (1); Likely benign (1). Last evaluated 2025-04-22.

Conditions:
Kabuki syndrome. Also called: Kabuki make-up syndrome; NIIKAWA-KUROKI SYNDROME. Identifiers: Orphanet 2322, MedGen C0796004, MONDO:0016512.
KMT2D-related disorder. Also called: KMT2D-Related Disorders.

Allele frequency attached by ClinVar (database versions not stated): gnomAD 0.00001.
gnomAD v4.1: 8 of 1,613,022 alleles (0.0005%); highest among the groups gnomAD compares: African/African-American, 0.0013%; no homozygotes.

Submissions (3):

PreventionGenetics, part of Exact Sciences
Classification: Uncertain significance for KMT2D-related condition. Last evaluated: 2025-04-22. Review status: criteria provided, single submitter. Criteria: ACMG Guidelines, 2015. Collection method: clinical testing. Allele origin: germline.
Comment: The KMT2D c.13451G>A variant is predicted to result in the amino acid substitution p.Arg4484Gln. To our knowledge, this variant has not been reported in the literature or in a large population database (gnomAD), indicating this variant is rare. At this time, the clinical significance of this variant is uncertain due to the absence of conclusive functional and genetic evidence.

Labcorp Genetics (formerly Invitae), Labcorp
Classification: Benign for Kabuki syndrome. Last evaluated: 2024-06-29. Review status: criteria provided, single submitter. Criteria: Invitae Variant Classification Sherloc (09022015). Collection method: clinical testing. Allele origin: germline.

GeneDx
Classification: Likely benign. Last evaluated: 2021-02-12. Review status: criteria provided, single submitter. Criteria: GeneDx Variant Classification Process June 2021. Collection method: clinical testing. Allele origin: germline. Affected: yes.
Comment: Has not been previously published as pathogenic or benign to our knowledge; In silico analysis supports that this missense variant does not alter protein structure/function

NM_003482.4(KMT2D):c.13451G>A (p.Arg4484Gln)

Gene: KMT2D (lysine methyltransferase 2D; minus strand). Cytogenetic location: 12q13.12.
Variant type: single nucleotide variant.
Coding change: c.13451G>A on transcript NM_003482.4 (MANE Select); coding-DNA position 13451, G replaced by A.
Protein change: p.Arg4484Gln; replaces arginine 4484 with glutamine.
Molecular consequence: missense variant.
Genome position (GRCh38, 1-based): chr12:49,031,254, C>T on the plus strand (G>A on the coding strand, the complement: KMT2D is on the minus strand). VCF-style: chr12-49031254-C-T. GRCh37 (hg19) VCF-style: chr12-49425037-C-T.
Other names: short protein forms R4484Q.
Identifiers: ClinVar variation 1196006 (VCV001196006.8), dbSNP rs1480605988, ClinGen allele CA384704272.